The following is an entry in ClinVar:

ClinVar aggregate classification (germline): Likely benign. Review status: criteria provided, multiple submitters, no conflicts (2 of 4 stars). 2 submissions from 2 submitters: Likely benign (2). Last evaluated 2025-09-27.

Conditions:
Early-infantile DEE. Also called: Early infantile epileptic encephalopathy; Ohtahara syndrome; Early infantile epileptic encephalopathy with suppression bursts. Identifiers: Orphanet 1934, MedGen C0393706, MONDO:0800491.

Allele frequency attached by ClinVar (database versions not stated): gnomAD 0.00002 and 0.00003; TOPMed 0.00002; gnomAD exomes 0.00005 and 0.00008; ExAC 0.00010; 1000 Genomes Project 30x 0.00016; 1000 Genomes Project 0.00020.
gnomAD v4.1: 76 of 1,612,720 alleles (0.0047%); highest among the groups gnomAD compares: East Asian, 0.056%; no homozygotes.

Submissions (2):

Labcorp Genetics (formerly Invitae), Labcorp
Classification: Likely benign for Early-infantile DEE. Last evaluated: 2025-09-27. Review status: criteria provided, single submitter. Criteria: Invitae Variant Classification Sherloc (09022015). Collection method: clinical testing. Allele origin: germline.

GeneDx
Classification: Likely benign. Last evaluated: 2018-03-13. Review status: criteria provided, single submitter. Criteria: GeneDx Variant Classification (06012015). Collection method: clinical testing. Allele origin: germline. Affected: yes.
Comment: This variant is considered likely benign or benign based on one or more of the following criteria: it is a conservative change, it occurs at a poorly conserved position in the protein, it is predicted to be benign by multiple in silico algorithms, and/or has population frequency not consistent with disease.

NM_172107.4(KCNQ2):c.691-13G>A

Gene: KCNQ2 (potassium voltage-gated channel subfamily Q member 2; minus strand). Cytogenetic location: 20q13.33.
Variant type: single nucleotide variant.
Coding change: c.691-13G>A on transcript NM_172107.4 (MANE Select); 13 bases into the intron before coding-DNA position 691, G replaced by A.
Molecular consequence: intron variant.
Genome position (GRCh38, 1-based): chr20:63,442,544, C>T on the plus strand (G>A on the coding strand, the complement: KCNQ2 is on the minus strand). VCF-style: chr20-63442544-C-T. GRCh37 (hg19) VCF-style: chr20-62073897-C-T.
Other names: c.691-13G>A (NM_004518.6, NM_172108.5, NM_172106.3 and 1 more transcripts).
Identifiers: ClinVar variation 205816 (VCV000205816.11), dbSNP rs547887704, ClinGen allele CA315260.